The following is an entry in ClinVar:

NM_000136.3(FANCC):c.774del (p.Phe258fs)

Genes: AOPEP (aminopeptidase O (putative); plus strand), FANCC (FA complementation group C; minus strand). Cytogenetic location: 9q22.32.
Variant type: Deletion.
Coding change: c.774del on transcript NM_000136.3 (MANE Select); coding-DNA position 774, one base deleted (T; older notation c.774delT).
Protein change: p.Phe258fs; shifts the reading frame from phenylalanine 258.
Molecular consequence: frameshift variant.
Genome position (GRCh38, 1-based): chr9:95,135,415, A deleted on the plus strand (T on the coding strand, the reverse complement: FANCC is on the minus strand); the first of 5 consecutive A bases (chr9:95,135,415-95,135,419); deleting any one gives the same sequence. VCF-style (leftmost placement, unchanged base first): chr9-95135414-CA-C. GRCh37 (hg19) VCF-style: chr9-97897696-CA-C.
Other names: c.774del, p.Phe258fs (NM_001243743.2, NM_001243744.2); c.774delT (NM_000136.2); short protein forms F258fs.
Identifiers: ClinVar variation 3230395 (VCV003230395.1), dbSNP rs2541400979, ClinGen allele CA2825001638.

ClinVar aggregate classification (germline): Pathogenic (1 of 4 stars; one submission).

Conditions:
Hereditary cancer-predisposing syndrome. Also called: Neoplastic Syndromes, Hereditary; Tumor predisposition; Hereditary neoplastic syndrome; Hereditary Cancer Syndrome. Identifiers: Orphanet 140162, MedGen C0027672, MeSH D009386, MONDO:0015356.

Submission:

Ambry Genetics
Classification: Pathogenic for Hereditary cancer-predisposing syndrome. Last evaluated: 2023-11-15. Review status: criteria provided, single submitter. Criteria: Ambry Variant Classification Scheme 2023. Collection method: clinical testing. Allele origin: germline.
Comment: The c.774delT pathogenic mutation, located in coding exon 7 of the FANCC gene, results from a deletion of one nucleotide at nucleotide position 774, causing a translational frameshift with a predicted alternate stop codon (p.F258Lfs*4). This alteration is expected to result in loss of function by premature protein truncation or nonsense-mediated mRNA decay. As such, this alteration is interpreted as a disease-causing mutation.